The following is an entry in ClinVar:

ClinVar aggregate classification (germline): Pathogenic (1 of 4 stars; one submission).

Conditions:
Autosomal recessive limb-girdle muscular dystrophy type R18 (LGMDR18). Also called: Limb-girdle muscular dystrophy, type 2S; Autosomal recessive limb-girdle muscular dystrophy type 2S; MUSCULAR DYSTROPHY, LIMB-GIRDLE, AUTOSOMAL RECESSIVE 18. Identifiers: Orphanet 369840, MedGen C4517996, MONDO:0014144, OMIM 615356.

Submission:

Labcorp Genetics (formerly Invitae), Labcorp
Classification: Pathogenic for Autosomal recessive limb-girdle muscular dystrophy type R18. Last evaluated: 2024-08-21. Review status: criteria provided, single submitter. Criteria: Invitae Variant Classification Sherloc (09022015). Collection method: clinical testing. Allele origin: germline.
Comment: This sequence change creates a premature translational stop signal (p.Ser921Hisfs*18) in the TRAPPC11 gene. It is expected to result in an absent or disrupted protein product. Loss-of-function variants in TRAPPC11 are known to be pathogenic (PMID: 23830518, 26322222). This variant is not present in population databases (gnomAD no frequency). This variant has not been reported in the literature in individuals affected with TRAPPC11-related conditions. Algorithms developed to predict the effect of sequence changes on RNA splicing suggest that this variant may create or strengthen a splice site. For these reasons, this variant has been classified as Pathogenic.

Literature cited by the submitters: PubMed 23830518; PubMed 26322222.

NM_021942.6(TRAPPC11):c.2760del (p.Ser921fs)

Gene: TRAPPC11 (trafficking protein particle complex subunit 11; plus strand). Cytogenetic location: 4q35.1.
Variant type: Deletion.
Coding change: c.2760del on transcript NM_021942.6 (MANE Select); coding-DNA position 2760, one base deleted (C; older notation c.2760delC).
Protein change: p.Ser921fs; shifts the reading frame from serine 921.
Molecular consequence: frameshift variant.
Genome position (GRCh38, 1-based): chr4:183,697,744, C deleted; the last of 2 consecutive C bases (chr4:183,697,743-183,697,744); deleting either gives the same sequence. VCF-style (leftmost placement, unchanged base first): chr4-183697742-GC-G. GRCh37 (hg19) VCF-style: chr4-184618895-GC-G.
Other names: c.2760del, p.Ser921fs (NM_199053.3); short protein forms S921fs.
Identifiers: ClinVar variation 3706830 (VCV003706830.2).